The following is an entry in ClinVar:

ClinVar aggregate classification (germline): Conflicting classifications of pathogenicity. Review status: criteria provided, conflicting classifications (1 of 4 stars). 2 submissions from 2 submitters: Uncertain significance (1); Benign (1). Last evaluated 2025-05-05.

Allele frequency attached by ClinVar (database versions not stated): TOPMed 0.00004; ExAC 0.00005; gnomAD exomes 0.00012 and 0.00003; gnomAD 0.00001.
gnomAD v4.1: 42 of 1,613,576 alleles (0.0026%); highest among the groups gnomAD compares: Admixed American, 0.048%; no homozygotes.

Submissions (2):

Labcorp Genetics (formerly Invitae), Labcorp
Classification: Benign. Last evaluated: 2025-05-05. Review status: criteria provided, single submitter. Criteria: Invitae Variant Classification Sherloc (09022015). Collection method: clinical testing. Allele origin: germline.

ARUP Laboratories, Molecular Genetics and Genomics, ARUP Laboratories
Classification: Uncertain significance. Last evaluated: 2024-10-18. Review status: criteria provided, single submitter. Criteria: ARUP Molecular Germline Variant Investigation Process 2024. Collection method: clinical testing. Allele origin: germline.
Comment: The NOTCH3 c.2053C>A; p.Pro685Thr variant (rs774900511, ClinVar Variation ID: 1008842) is reported in the literature in one individual affected with features of CADASIL, although it was not demonstrated to cause disease (Cocho 2011). This variant is found in the general population with an overall allele frequency of 0.01% (29/250,714 alleles) in the Genome Aggregation Database (v2.1.1). Computational analyses are uncertain whether this variant is neutral or deleterious (REVEL: 0.247). Most pathogenic NOTCH3 variants occur in exons 2-24 and either create or destroy a cysteine residue within an EGF-like domain (Rutten 2014). However, there are several amino acid substitutions not involving cysteine that may be disease-associated (Muino 2017). Although p.Pro685Thr does not involve a cysteine residue, due limited information its clinical significance is uncertain. References: Cocho D et al. Diagnosis of CADASIL disease in normotensive and non-diabetics with lacunar infarct. Neurologia. 2011 Jul-Aug;26(6):325-30. English, Spanish. PMID: 21345538. Muino E et al. Systematic Review of Cysteine-Sparing NOTCH3 Missense Mutations in Patients with Clinical Suspicion of CADASIL. Int J Mol Sci. 2017 Sep 13;18(9). pii: E1964. PMID: 28902129. Rutten JW et al. Interpretation of NOTCH3 mutations in the diagnosis of CADASIL. Expert Rev Mol Diagn. 2014 Jun;14(5):593-603. PMID: 24844136.

NM_000435.3(NOTCH3):c.2053C>A (p.Pro685Thr)

Gene: NOTCH3 (notch receptor 3; minus strand). Cytogenetic location: 19p13.12.
Variant type: single nucleotide variant.
Coding change: c.2053C>A on transcript NM_000435.3 (MANE Select); coding-DNA position 2053, C replaced by A.
Protein change: p.Pro685Thr; replaces proline 685 with threonine.
Molecular consequence: missense variant.
Genome position (GRCh38, 1-based): chr19:15,185,578, G>T on the plus strand (C>A on the coding strand, the complement: NOTCH3 is on the minus strand). VCF-style: chr19-15185578-G-T. GRCh37 (hg19) VCF-style: chr19-15296389-G-T.
Other names: short protein forms P685T.
Identifiers: ClinVar variation 1008842 (VCV001008842.7), dbSNP rs774900511, ClinGen allele CA9263456.